The following is an entry in ClinVar:

ClinVar aggregate classification (germline): Uncertain significance (1 of 4 stars; one submission).

Conditions:
Ehlers-Danlos syndrome, classic type, 1 (EDSCL1). Also called: EHLERS-DANLOS SYNDROME, GRAVIS TYPE; EHLERS-DANLOS SYNDROME, SEVERE CLASSIC TYPE; Ehlers-Danlos syndrome, type 1; Ehlers-Danlos Syndrome, Classic Type, COL5A1-Related; EDS I. Identifiers: MedGen C0268335, MONDO:0019567, OMIM 130000.
Osteogenesis imperfecta type I (OI1). Also called: OI, TYPE I; OSTEOGENESIS IMPERFECTA TARDA; OSTEOGENESIS IMPERFECTA WITH BLUE SCLERAE; Osteogenesis imperfecta type 1; Lobstein's Disease; Lobstein disease. Identifiers: Orphanet 216796, Orphanet 666, MedGen C0023931, MONDO:0008146, OMIM 166200. Disease mechanism: loss of function.

gnomAD v4.1: 1 of 1,614,136 alleles (0.000062%); highest among the groups gnomAD compares: Non-Finnish European, 0.000085%; no homozygotes.

Submission:

Labcorp Genetics (formerly Invitae), Labcorp
Classification: Uncertain significance for Osteogenesis imperfecta type I; Ehlers-Danlos syndrome, classic type, 1. Last evaluated: 2024-12-20. Review status: criteria provided, single submitter. Criteria: Invitae Variant Classification Sherloc (09022015). Collection method: clinical testing. Allele origin: germline.
Comment: This sequence change replaces leucine, which is neutral and non-polar, with phenylalanine, which is neutral and non-polar, at codon 290 of the COL1A2 protein (p.Leu290Phe). This variant is not present in population databases (gnomAD no frequency). This variant has not been reported in the literature in individuals affected with COL1A2-related conditions. Invitae Evidence Modeling of protein sequence and biophysical properties (such as structural, functional, and spatial information, amino acid conservation, physicochemical variation, residue mobility, and thermodynamic stability) indicates that this missense variant is not expected to disrupt COL1A2 protein function with a negative predictive value of 80%. In summary, the available evidence is currently insufficient to determine the role of this variant in disease. Therefore, it has been classified as a Variant of Uncertain Significance.

NM_000089.4(COL1A2):c.868C>T (p.Leu290Phe)

Gene: COL1A2 (collagen type I alpha 2 chain; plus strand). Cytogenetic location: 7q21.3.
Variant type: single nucleotide variant.
Coding change: c.868C>T on transcript NM_000089.4 (MANE Select); coding-DNA position 868, C replaced by T.
Protein change: p.Leu290Phe; replaces leucine 290 with phenylalanine.
Molecular consequence: missense variant.
Genome position (GRCh38, 1-based): chr7:94,409,397, C>T. VCF-style: chr7-94409397-C-T. GRCh37 (hg19) VCF-style: chr7-94038709-C-T.
Other names: short protein forms L290F.
Identifiers: ClinVar variation 3749785 (VCV003749785.2).